The following is an entry in ClinVar:

ClinVar aggregate classification (germline): Likely pathogenic (1 of 4 stars; one submission).

Conditions:
Ataxia-telangiectasia syndrome (AT). Also called: Cerebello-oculocutaneous telangiectasia; Immunodeficiency with ataxia telangiectasia; AT, COMPLEMENTATION GROUP C; ATAXIA-TELANGIECTASIA, COMPLEMENTATION GROUP A; ATAXIA-TELANGIECTASIA, FRESNO VARIANT; LOUIS-BAR SYNDROME. Identifiers: Orphanet 100, MedGen C0004135, MONDO:0008840, OMIM 208900.

Submission:

Labcorp Genetics (formerly Invitae), Labcorp
Classification: Likely pathogenic for Ataxia-telangiectasia syndrome. Last evaluated: 2022-04-01. Review status: criteria provided, single submitter. Criteria: Invitae Variant Classification Sherloc (09022015). Collection method: clinical testing. Allele origin: germline.
Comment: In summary, the currently available evidence indicates that the variant is pathogenic, but additional data are needed to prove that conclusively. Therefore, this variant has been classified as Likely Pathogenic. Algorithms developed to predict the effect of sequence changes on RNA splicing suggest that this variant may disrupt the consensus splice site. This variant has not been reported in the literature in individuals affected with ATM-related conditions. This variant is not present in population databases (gnomAD no frequency). This sequence change affects an acceptor splice site in intron 10 of the ATM gene. It is expected to disrupt RNA splicing. Variants that disrupt the donor or acceptor splice site typically lead to a loss of protein function (PMID: 16199547), and loss-of-function variants in ATM are known to be pathogenic (PMID: 23807571, 25614872).

Literature cited by the submitters: PubMed 16199547; PubMed 23807571; PubMed 25614872.

NM_000051.4(ATM):c.1608-2A>C

Gene: ATM (ATM serine/threonine kinase; plus strand). Cytogenetic location: 11q22.3.
Variant type: single nucleotide variant.
Coding change: c.1608-2A>C on transcript NM_000051.4 (MANE Select); the canonical splice acceptor site of the intron before coding-DNA position 1608, A replaced by C.
Molecular consequence: splice acceptor variant.
Genome position (GRCh38, 1-based): chr11:108,251,835, A>C. VCF-style: chr11-108251835-A-C. GRCh37 (hg19) VCF-style: chr11-108122562-A-C.
Other names: c.1608-2A>C (NM_001351834.2).
Identifiers: ClinVar variation 1504219 (VCV001504219.6), dbSNP rs2135338498, ClinGen allele CA382534464.
Genomic context (GRCh38, chr11:108,251,835, plus strand): 5'-TAGATAAAGTCTTTGCCCCTCCAATAGCTTGCTTTTCACAATTGTCCTTTGTTTTGTTAT[A>C]GTCCTGCAGTATGCTGTTTGACTTTGGCACTGACCACCAGTATAGTTCCAGGAACGGTAA-3'